The following is an entry in ClinVar:

NM_001367624.2(ZNF469):c.8984C>T (p.Ala2995Val)

Gene: ZNF469 (zinc finger protein 469; plus strand). Cytogenetic location: 16q24.2.
Variant type: single nucleotide variant.
Coding change: c.8984C>T on transcript NM_001367624.2 (MANE Select); coding-DNA position 8984, C replaced by T.
Protein change: p.Ala2995Val; replaces alanine 2995 with valine.
Molecular consequence: missense variant.
Genome position (GRCh38, 1-based): chr16:88,436,454, C>T. VCF-style: chr16-88436454-C-T. GRCh37 (hg19) VCF-style: chr16-88502862-C-T.
Other names: NM_001127464.1:c.8900C>T; short protein forms A2995V.
Identifiers: ClinVar variation 432750 (VCV000432750.7), dbSNP rs759398721, ClinGen allele CA286384832.

ClinVar aggregate classification (germline): Uncertain significance. Review status: criteria provided, multiple submitters, no conflicts (2 of 4 stars). 3 submissions from 3 submitters: Uncertain significance (3). Last evaluated 2025-04-21.

Conditions:
Cardiovascular phenotype. Identifiers: MedGen CN230736.

Allele frequency attached by ClinVar (database versions not stated): gnomAD 0.00001; gnomAD exomes 0.00001 and 0.00002; TOPMed 0.00002.
gnomAD v4.1: 13 of 1,547,270 alleles (0.00084%); highest among the groups gnomAD compares: Admixed American, 0.0059%; no homozygotes.

Submissions (3):

Labcorp Genetics (formerly Invitae), Labcorp
Classification: Uncertain significance. Last evaluated: 2025-04-21. Review status: criteria provided, single submitter. Criteria: Invitae Variant Classification Sherloc (09022015). Collection method: clinical testing. Allele origin: germline.
Comment: This sequence change replaces alanine, which is neutral and non-polar, with valine, which is neutral and non-polar, at codon 2967 of the ZNF469 protein (p.Ala2967Val). This variant is present in population databases (rs759398721, gnomAD 0.008%). This variant has not been reported in the literature in individuals affected with ZNF469-related conditions. ClinVar contains an entry for this variant (Variation ID: 432750). An algorithm developed to predict the effect of missense changes on protein structure and function outputs the following: PolyPhen-2: "Benign". The valine amino acid residue is found in multiple mammalian species, which suggests that this missense change does not adversely affect protein function. In summary, the available evidence is currently insufficient to determine the role of this variant in disease. Therefore, it has been classified as a Variant of Uncertain Significance.

Ambry Genetics
Classification: Uncertain significance for Cardiovascular phenotype. Last evaluated: 2020-01-24. Review status: criteria provided, single submitter. Criteria: Ambry Variant Classification Scheme 2023. Collection method: clinical testing. Allele origin: germline.
Comment: The p.A2967V variant (also known as c.8900C>T), located in coding exon 2 of the ZNF469 gene, results from a C to T substitution at nucleotide position 8900. The alanine at codon 2967 is replaced by valine, an amino acid with similar properties. This alteration has been reported in a keratoconus cohort (Lucas SEM et al. Invest. Ophthalmol. Vis. Sci., 2017 12;58:6248-6256). This amino acid position is not well conserved in available vertebrate species, and valine is the reference amino acid in other vertebrate species. In addition, this alteration is predicted to be tolerated by in silico analysis. Since supporting evidence is limited at this time, the clinical significance of this alteration remains unclear.

GeneDx
Classification: Uncertain significance. Last evaluated: 2017-06-16. Review status: criteria provided, single submitter. Criteria: GeneDx Variant Classification (06012015). Collection method: clinical testing. Allele origin: germline. Affected: yes.
Comment: A variant of uncertain significance has been identified in the ZNF469 gene. The A2967V variant has not been published as pathogenic or been reported as benign to our knowledge. This variant is not observed in large population cohorts (Lek et al., 2016; 1000 Genomes Consortium et al., 2015; Exome Variant Server). However, the A2967V variant is a conservative amino acid substitution, which is not likely to impact secondary protein structure as these residues share similar properties. This substitution occurs at a position that is not conserved across species and where valine is present as the wild type in several species. Finally, in silico analysis suggests that this variant likely does not alter the protein structure/function.

Literature cited by the submitters: PubMed 29228253 (cited by Ambry Genetics).